The following is an entry in ClinVar:

ClinVar aggregate classification (germline): Likely benign. Review status: criteria provided, single submitter (1 of 4 stars). 2 submissions from 2 submitters: Likely benign (1). 1 of the submissions does not count toward it. Last evaluated 2024-05-28.

Conditions:
KPTN-related disorder. Also called: KPTN-related condition. Identifiers: MedGen CN381532.
Macrocephaly-developmental delay syndrome (MRT41). Also called: INTELLECTUAL DEVELOPMENTAL DISORDER, AUTOSOMAL RECESSIVE 41. Identifiers: Orphanet 397612, MedGen C3810225, MONDO:0014289, OMIM 615637.

Allele frequency attached by ClinVar (database versions not stated): TOPMed 0.00008; gnomAD 0.00012; ExAC 0.00017; 1000 Genomes Project 30x 0.00078; 1000 Genomes Project 0.00080.

Submissions (2):

Labcorp Genetics (formerly Invitae), Labcorp
Classification: Likely benign for Macrocephaly-developmental delay syndrome. Last evaluated: 2024-05-28. Review status: criteria provided, single submitter. Criteria: Invitae Variant Classification Sherloc (09022015). Collection method: clinical testing. Allele origin: germline.

PreventionGenetics, part of Exact Sciences
Classification: Likely benign for KPTN-related condition. Last evaluated: 2019-06-24. Review status: no assertion criteria provided. Collection method: clinical testing. Allele origin: germline. Not counted in ClinVar's aggregate classification.
Comment: This variant is classified as likely benign based on ACMG/AMP sequence variant interpretation guidelines (Richards et al. 2015 PMID: 25741868, with internal and published modifications).

NM_007059.4(KPTN):c.709+9C>T

Gene: KPTN (kaptin, actin binding protein; minus strand). Cytogenetic location: 19q13.32.
Variant type: single nucleotide variant.
Coding change: c.709+9C>T on transcript NM_007059.4 (MANE Select); 9 bases into the intron after coding-DNA position 709, C replaced by T.
Molecular consequence: intron variant.
Genome position (GRCh38, 1-based): chr19:47,480,289, G>A on the plus strand (C>T on the coding strand, the complement: KPTN is on the minus strand). VCF-style: chr19-47480289-G-A. GRCh37 (hg19) VCF-style: chr19-47983546-G-A.
Other names: c.541+9C>T (NM_001291296.2).
Identifiers: ClinVar variation 3042780 (VCV003042780.4), dbSNP rs545659460, ClinGen allele CA9540358.